The following is an entry in ClinVar:

ClinVar aggregate classification (germline): Likely benign (1 of 4 stars; one submission).

Submission:

CeGaT Center for Human Genetics Tuebingen
Classification: Likely benign. Last evaluated: 2024-10-01. Review status: criteria provided, single submitter. Criteria: CeGaT Center For Human Genetics Tuebingen Variant Classification Criteria Version 2. Collection method: clinical testing. Allele origin: germline. Affected: yes. Observed: 1 variant allele.
Comment: ORM1: BP4, BP7

NM_000607.4(ORM1):c.306A>G (p.Glu102=)

Gene: ORM1 (orosomucoid 1; plus strand). Cytogenetic location: 9q32.
Variant type: single nucleotide variant.
Coding change: c.306A>G on transcript NM_000607.4 (MANE Select); coding-DNA position 306, A replaced by G.
Protein change: p.Glu102=; no amino-acid change (glutamic acid 102 retained).
Molecular consequence: synonymous variant.
Genome position (GRCh38, 1-based): chr9:114,324,066, A>G. VCF-style: chr9-114324066-A-G. GRCh37 (hg19) VCF-style: chr9-117086346-A-G.
Identifiers: ClinVar variation 3388370 (VCV003388370.14).
Genomic context (GRCh38, chr9:114,324,066, plus strand): 5'-GTTTGGCTTTAGACAGGACCAGTGCATCTATAACACCACCTACCTGAATGTCCAGCGGGA[A>G]AATGGGACCATCTCCAGATACGGTGAGGGCCAGCCCTCAGGCAGGAGGGTTCACTGTGGG-3'
Protein context (NP_000598.2, residues 92-112): YNTTYLNVQR[Glu102=]NGTISRYVGG